The following is an entry in ClinVar:

ClinVar aggregate classification (germline): Likely benign (0 of 4 stars; one submission).

Conditions:
FOXC1-related disorder. Also called: FOXC1-related condition.

Allele frequency attached by ClinVar (database versions not stated): TOPMed below 0.00001.

Submission:

PreventionGenetics, part of Exact Sciences
Classification: Likely benign for FOXC1-related condition. Last evaluated: 2021-11-17. Review status: no assertion criteria provided. Collection method: clinical testing. Allele origin: germline.
Comment: This variant is classified as likely benign based on ACMG/AMP sequence variant interpretation guidelines (Richards et al. 2015 PMID: 25741868, with internal and published modifications).

NM_001453.3(FOXC1):c.-435C>G

Genes: FOXC1 (forkhead box C1; plus strand), LOC129995600 (ATAC-STARR-seq lymphoblastoid silent region 16824; plus strand). Cytogenetic location: 6p25.3.
Variant type: single nucleotide variant.
Coding change: c.-435C>G on transcript NM_001453.3 (MANE Select); 435 bases upstream of the start codon, C replaced by G.
Molecular consequence: 5 prime UTR variant.
Genome position (GRCh38, 1-based): chr6:1,610,011, C>G. VCF-style: chr6-1610011-C-G. GRCh37 (hg19) VCF-style: chr6-1610246-C-G.
Identifiers: ClinVar variation 3031218 (VCV003031218.2), dbSNP rs1485654796, ClinGen allele CA821645411.